The following is an entry in ClinVar:

NM_001943.5(DSG2):c.1487G>C (p.Cys496Ser)

Gene: DSG2 (desmoglein 2; plus strand). Cytogenetic location: 18q12.1.
Variant type: single nucleotide variant.
Coding change: c.1487G>C on transcript NM_001943.5 (MANE Select); coding-DNA position 1487, G replaced by C.
Protein change: p.Cys496Ser; replaces cysteine 496 with serine.
Molecular consequence: missense variant.
Genome position (GRCh38, 1-based): chr18:31,536,265, G>C. VCF-style: chr18-31536265-G-C. GRCh37 (hg19) VCF-style: chr18-29116228-G-C.
Other names: short protein forms C496S.
Identifiers: ClinVar variation 4803005 (VCV004803005.1).

ClinVar aggregate classification (germline): Uncertain significance (1 of 4 stars; one submission).

Conditions:
Arrhythmogenic right ventricular dysplasia 10. Also called: Arrhythmogenic Right Ventricular Dysplasia/Cardiomyopathy10; ARRHYTHMOGENIC RIGHT VENTRICULAR DYSPLASIA, FAMILIAL, 10; Arrhythmogenic right ventricular dysplasia/cardiomyopathy, type 10. Identifiers: MedGen C1857777, MONDO:0012434, OMIM 610193.

Submission:

Labcorp Genetics (formerly Invitae), Labcorp
Classification: Uncertain significance for Arrhythmogenic right ventricular dysplasia 10. Last evaluated: 2025-06-16. Review status: criteria provided, single submitter. Criteria: Invitae Variant Classification Sherloc (09022015). Collection method: clinical testing. Allele origin: germline.
Comment: This sequence change replaces cysteine, which is neutral and slightly polar, with serine, which is neutral and polar, at codon 496 of the DSG2 protein (p.Cys496Ser). This variant is not present in population databases (gnomAD no frequency). This variant has not been reported in the literature in individuals affected with DSG2-related conditions. Invitae Evidence Modeling of protein sequence and biophysical properties (such as structural, functional, and spatial information, amino acid conservation, physicochemical variation, residue mobility, and thermodynamic stability) has been performed for this missense variant. However, the output from this modeling did not meet the statistical confidence thresholds required to predict the impact of this variant on DSG2 protein function. In summary, the available evidence is currently insufficient to determine the role of this variant in disease. Therefore, it has been classified as a Variant of Uncertain Significance.